The following is an entry in ClinVar:

NM_201384.3(PLEC):c.1037T>C (p.Leu346Pro)

Gene: PLEC (plectin; minus strand). Cytogenetic location: 8q24.3.
Variant type: single nucleotide variant.
Coding change: c.1037T>C on transcript NM_201384.3 (MANE Select); coding-DNA position 1037, T replaced by C.
Protein change: p.Leu346Pro; replaces leucine 346 with proline.
Molecular consequence: missense variant.
Genome position (GRCh38, 1-based): chr8:143,934,639, A>G on the plus strand (T>C on the coding strand, the complement: PLEC is on the minus strand). VCF-style: chr8-143934639-A-G. GRCh37 (hg19) VCF-style: chr8-145008807-A-G.
Other names: c.941T>C, p.Leu314Pro (NM_201381.3); c.1037T>C, p.Leu346Pro (NM_201382.4); c.1049T>C, p.Leu350Pro (NM_201383.3); c.1448T>C, p.Leu483Pro (NM_201380.4); c.1118T>C, p.Leu373Pro (NM_000445.5, NM_001410941.1); c.995T>C, p.Leu332Pro (NM_201378.4); c.971T>C, p.Leu324Pro (NM_201379.3); short protein forms L324P, L483P, L314P, L332P, L373P, L346P, L350P.
Identifiers: ClinVar variation 2951563 (VCV002951563.3), dbSNP rs2538997586, ClinGen allele CA372585240.

ClinVar aggregate classification (germline): Uncertain significance (1 of 4 stars; one submission).

Conditions:
Epidermolysis bullosa simplex with nail dystrophy (EBS5D). Identifiers: MedGen C4225309, MONDO:0014661, OMIM 616487.
Autosomal recessive limb-girdle muscular dystrophy type 2Q (LGMDR17). Also called: MUSCULAR DYSTROPHY, LIMB-GIRDLE, AUTOSOMAL RECESSIVE 17. Identifiers: Orphanet 254361, MedGen C3150989, MONDO:0013390, OMIM 613723.
Epidermolysis bullosa simplex 5C, with pyloric atresia (EBS5C). Also called: PLEC1-Related Epidermolysis Bullosa with Pyloric Atresia; PLEC-Related Epidermolysis Bullosa with Pyloric Atresia; Epidermolysis bullosa simplex with pyloric atresia. Identifiers: Orphanet 158684, MedGen C2677349, MONDO:0012807, OMIM 612138.
Epidermolysis bullosa simplex 5B, with muscular dystrophy (EBS5B). Also called: Epidermolysis bullosa simplex with muscular dystrophy; EPIDERMOLYSIS BULLOSA SIMPLEX AND LIMB-GIRDLE MUSCULAR DYSTROPHY. Identifiers: Orphanet 257, MedGen C2931072, MONDO:0009181, OMIM 226670.
Epidermolysis bullosa simplex, Ogna type (EBS5A). Also called: EPIDERMOLYSIS BULLOSA SIMPLEX 5A, OGNA TYPE; Pidermolysis bullosa simplex 5A, Ogna type. Identifiers: Orphanet 79401, MedGen C0432317, MONDO:0007555, OMIM 131950.

Submission:

Labcorp Genetics (formerly Invitae), Labcorp
Classification: Uncertain significance for Autosomal recessive limb-girdle muscular dystrophy type 2Q; Epidermolysis bullosa simplex, Ogna type; Epidermolysis bullosa simplex with nail dystrophy; Epidermolysis bullosa simplex 5C, with pyloric atresia; Epidermolysis bullosa simplex 5B, with muscular dystrophy. Last evaluated: 2023-09-03. Review status: criteria provided, single submitter. Criteria: Invitae Variant Classification Sherloc (09022015). Collection method: clinical testing. Allele origin: germline.
Comment: This variant is not present in population databases (gnomAD no frequency). In summary, the available evidence is currently insufficient to determine the role of this variant in disease. Therefore, it has been classified as a Variant of Uncertain Significance. Experimental studies and prediction algorithms are not available or were not evaluated, and the functional significance of this variant is currently unknown. This variant has not been reported in the literature in individuals affected with PLEC-related conditions. This sequence change replaces leucine, which is neutral and non-polar, with proline, which is neutral and non-polar, at codon 373 of the PLEC protein (p.Leu373Pro).